The following is an entry in ClinVar:

NM_005559.4(LAMA1):c.2274+3G>T

Gene: LAMA1 (laminin subunit alpha 1; minus strand). Cytogenetic location: 18p11.31.
Variant type: single nucleotide variant.
Coding change: c.2274+3G>T on transcript NM_005559.4 (MANE Select); 3 bases into the intron after coding-DNA position 2274, G replaced by T.
Molecular consequence: intron variant.
Genome position (GRCh38, 1-based): chr18:7,032,063, C>A on the plus strand (G>T on the coding strand, the complement: LAMA1 is on the minus strand). VCF-style: chr18-7032063-C-A. GRCh37 (hg19) VCF-style: chr18-7032062-C-A.
Identifiers: ClinVar variation 1189756 (VCV001189756.3), dbSNP rs1346412853, ClinGen allele CA628125503.

ClinVar aggregate classification (germline): Uncertain significance. Review status: criteria provided, multiple submitters, no conflicts (2 of 4 stars). 2 submissions from 2 submitters: Uncertain significance (2). Last evaluated 2023-08-25.

Conditions:
Ataxia - intellectual disability - oculomotor apraxia - cerebellar cysts syndrome. Also called: Poretti-Boltshauser syndrome. Identifiers: Orphanet 370022, MedGen C4014821, MONDO:0014419, OMIM 615960.

Allele frequency attached by ClinVar (database versions not stated): gnomAD exomes below 0.00001; gnomAD 0.00001; TOPMed 0.00004.
gnomAD v4.1: 4 of 1,613,036 alleles (0.00025%); highest among the groups gnomAD compares: Admixed American, 0.0017%; no homozygotes.

Submissions (2):

Baylor Genetics
Classification: Uncertain significance for Ataxia - intellectual disability - oculomotor apraxia - cerebellar cysts syndrome. Last evaluated: 2023-08-25. Review status: criteria provided, single submitter. Criteria: ACMG Guidelines, 2015. Collection method: clinical testing. Allele origin: unknown.

GeneDx
Classification: Uncertain significance. Last evaluated: 2021-06-14. Review status: criteria provided, single submitter. Criteria: GeneDx Variant Classification Process June 2021. Collection method: clinical testing. Allele origin: germline. Affected: yes.
Comment: Not observed at significant frequency in large population cohorts (Lek et al., 2016); In silico analysis supports a deleterious effect on splicing; Has not been previously published as pathogenic or benign to our knowledge; This variant is associated with the following publications: (PMID: 27535533)